The following is an entry in ClinVar:

ClinVar aggregate classification (germline): Uncertain significance (1 of 4 stars; one submission).

Allele frequency attached by ClinVar (database versions not stated): gnomAD exomes 0.00001.
gnomAD v4.1: 5 of 1,614,192 alleles (0.00031%); highest among the groups gnomAD compares: Non-Finnish European, 0.00042%; no homozygotes.

Submission:

CeGaT Center for Human Genetics Tuebingen
Classification: Uncertain significance. Last evaluated: 2023-08-01. Review status: criteria provided, single submitter. Criteria: CeGaT Center For Human Genetics Tuebingen Variant Classification Criteria Version 2. Collection method: clinical testing. Allele origin: germline. Affected: yes. Observed: 1 variant allele.
Comment: RELN: PM2

NM_005045.4(RELN):c.10205T>C (p.Leu3402Ser)

Genes: RELN (reelin; minus strand), SLC26A5-AS1 (SLC26A5 antisense RNA 1; plus strand). Cytogenetic location: 7q22.1.
Variant type: single nucleotide variant.
Coding change: c.10205T>C on transcript NM_005045.4 (MANE Select); coding-DNA position 10205, T replaced by C.
Protein change: p.Leu3402Ser; replaces leucine 3402 with serine.
Molecular consequence: missense variant.
Genome position (GRCh38, 1-based): chr7:103,482,948, A>G on the plus strand (T>C on the coding strand, the complement: RELN is on the minus strand). VCF-style: chr7-103482948-A-G. GRCh37 (hg19) VCF-style: chr7-103123395-A-G.
Other names: c.10205T>C, p.Leu3402Ser (NM_173054.3); short protein forms L3402S.
Identifiers: ClinVar variation 2579026 (VCV002579026.25), dbSNP rs2485686614, ClinGen allele CA368737875.
Genomic context (GRCh38, chr7:103,482,948, plus strand): 5'-TGGTCCAAAGCCCATTGATCATGACCTGTTCCATTGTGGCGTGGTTGCCACCAGCGCAGT[A>G]AGACTCCTTTCATCCGTGCCTCCCTGGGTCACACACAGAAGGACAAAGAAGTTATACATT-3'
Protein context (NP_005036.2, residues 3392-3412): VPLEARMKGV[Leu3402Ser]LRWWQPRHNG